The following is an entry in ClinVar:

NM_001009944.3(PKD1):c.1376G>C (p.Arg459Pro)

Gene: PKD1 (polycystin 1, transient receptor potential channel interacting; minus strand). Cytogenetic location: 16p13.3.
Variant type: single nucleotide variant.
Coding change: c.1376G>C on transcript NM_001009944.3 (MANE Select); coding-DNA position 1376, G replaced by C.
Protein change: p.Arg459Pro; replaces arginine 459 with proline.
Molecular consequence: missense variant.
Genome position (GRCh38, 1-based): chr16:2,117,498, C>G on the plus strand (G>C on the coding strand, the complement: PKD1 is on the minus strand). VCF-style: chr16-2117498-C-G. GRCh37 (hg19) VCF-style: chr16-2167499-C-G.
Other names: c.1376G>C, p.Arg459Pro (NM_000296.4); short protein forms R459P.
Identifiers: ClinVar variation 4535487 (VCV004535487.1).

ClinVar aggregate classification (germline): Uncertain significance (1 of 4 stars; one submission).

Submission:

Women's Health and Genetics/Laboratory Corporation of America, LabCorp
Classification: Uncertain significance. Last evaluated: 2025-09-30. Review status: criteria provided, single submitter. Criteria: LabCorp Variant Classification Summary - May 2015. Collection method: clinical testing. Allele origin: germline.
Comment: Variant summary: PKD1 c.1376G>C (p.Arg459Pro) results in a non-conservative amino acid change in the encoded protein sequence. Algorithms developed to predict the effect of missense changes on protein structure and function are either unavailable or do not agree on the potential impact of this missense change. The variant was absent in 102046 control chromosomes. The available data on variant occurrences in the general population are insufficient to allow any conclusion about variant significance. c.1376G>C has been observed in a compound heterozygous individual affected with PKD1-Biallelic Autosomal Recessive Polycystic Kidney Disease (Mantovani_2020). These report(s) do not provide unequivocal conclusions about association of the variant with PKD1-Biallelic Autosomal Recessive Polycystic Kidney Disease. To our knowledge, no experimental evidence demonstrating an impact on protein function has been reported. The following publication have been ascertained in the context of this evaluation (PMID: 32457805). No submitters have cited clinical-significance assessments for this variant to ClinVar. Based on the evidence outlined above, the variant was classified as uncertain significance.

Literature cited by the submitters: PubMed 32457805.